The following is an entry in ClinVar:

NM_001374736.1(DST):c.20963T>G (p.Leu6988Arg)

Gene: DST (dystonin; minus strand). Cytogenetic location: 6p12.1.
Variant type: single nucleotide variant.
Coding change: c.20963T>G on transcript NM_001374736.1 (MANE Select); coding-DNA position 20963, T replaced by G.
Protein change: p.Leu6988Arg; replaces leucine 6988 with arginine.
Molecular consequence: missense variant.
Genome position (GRCh38, 1-based): chr6:56,487,188, A>C on the plus strand (T>G on the coding strand, the complement: DST is on the minus strand). VCF-style: chr6-56487188-A-C. GRCh37 (hg19) VCF-style: chr6-56351986-A-C.
Other names: c.14606T>G (NM_001144769.2); c.14606T>G, p.Leu4869Arg (NM_001144769.5); c.14192T>G, p.Leu4731Arg (NM_001144770.2); c.20963T>G, p.Leu6988Arg (NM_001374722.1); c.20003T>G, p.Leu6668Arg (NM_001374729.1); c.13745T>G, p.Leu4582Arg (NM_001374730.1); c.20990T>G, p.Leu6997Arg (NM_001374734.1); c.13094T>G, p.Leu4365Arg (NM_015548.5); and 1 more; short protein forms L4731R, L6997R, L4365R, L4582R, L4691R, L4869R, L6668R, L6988R.
Identifiers: ClinVar variation 969303 (VCV000969303.7), dbSNP rs769301413, ClinGen allele CA3866615.

ClinVar aggregate classification (germline): Uncertain significance. Review status: criteria provided, multiple submitters, no conflicts (2 of 4 stars). 2 submissions from 2 submitters: Uncertain significance (2). Last evaluated 2023-01-09.

Conditions:
Inborn genetic diseases. Identifiers: MedGen C0950123, MeSH D030342.
Epidermolysis bullosa simplex 3, localized or generalized intermediate, with BP230 deficiency (EBS3). Also called: Epidermolysis bullosa simplex, autosomal recessive 2; Epidermolysis bullosa simplex due to BP230 deficiency. Identifiers: Orphanet 412181, MedGen C3809470, MONDO:0014180, OMIM 615425.
Hereditary sensory and autonomic neuropathy type 6. Also called: Neuropathy, hereditary sensory and autonomic, type VI; HSAN VI. Identifiers: Orphanet 314381, MedGen C3539003, MONDO:0013839, OMIM 614653.

Allele frequency attached by ClinVar (database versions not stated): ExAC 0.00001; gnomAD exomes 0.00001; gnomAD 0.00004; TOPMed 0.00008.
gnomAD v4.1: 13 of 1,613,852 alleles (0.00081%); highest among the groups gnomAD compares: Admixed American, 0.017%; no homozygotes.

Submissions (2):

Ambry Genetics
Classification: Uncertain significance for Inborn genetic diseases. Last evaluated: 2023-01-09. Review status: criteria provided, single submitter. Criteria: Ambry Variant Classification Scheme 2023. Collection method: clinical testing. Allele origin: germline.

Labcorp Genetics (formerly Invitae), Labcorp
Classification: Uncertain significance for Epidermolysis bullosa simplex 3, localized or generalized intermediate, with BP230 deficiency; Hereditary sensory and autonomic neuropathy type 6. Last evaluated: 2021-07-31. Review status: criteria provided, single submitter. Criteria: Invitae Variant Classification Sherloc (09022015). Collection method: clinical testing. Allele origin: germline.
Comment: ClinVar contains an entry for this variant (Variation ID: 969303). This variant has not been reported in the literature in individuals affected with DST-related conditions. This variant is present in population databases (rs769301413, ExAC 0.002%). This sequence change replaces leucine with arginine at codon 4365 of the DST protein (p.Leu4365Arg). The DST gene has multiple clinically relevant transcripts. This variant occurs in alternate transcript NM_015548.4, and corresponds to NM_001723.5:c.*128329T>G in the primary transcript. Experimental studies and prediction algorithms are not available or were not evaluated, and the functional significance of this variant is currently unknown. In summary, the available evidence is currently insufficient to determine the role of this variant in disease. Therefore, it has been classified as a Variant of Uncertain Significance.